The following is an entry in ClinVar:

NM_002470.4(MYH3):c.848G>C (p.Ser283Thr)

Gene: MYH3 (myosin heavy chain 3; minus strand). Cytogenetic location: 17p13.1.
Variant type: single nucleotide variant.
Coding change: c.848G>C on transcript NM_002470.4 (MANE Select); coding-DNA position 848, G replaced by C.
Protein change: p.Ser283Thr; replaces serine 283 with threonine.
Molecular consequence: missense variant.
Genome position (GRCh38, 1-based): chr17:10,647,232, C>G on the plus strand (G>C on the coding strand, the complement: MYH3 is on the minus strand). VCF-style: chr17-10647232-C-G. GRCh37 (hg19) VCF-style: chr17-10550549-C-G.
Other names: c.848G>C (NM_002470.3); short protein forms S283T.
Identifiers: ClinVar variation 2038568 (VCV002038568.5), dbSNP rs1298595859, ClinGen allele CA398177857.

ClinVar aggregate classification (germline): Uncertain significance. Review status: criteria provided, multiple submitters, no conflicts (2 of 4 stars). 2 submissions from 2 submitters: Uncertain significance (2). Last evaluated 2024-11-22.

gnomAD v4.1: 5 of 1,614,104 alleles (0.00031%); highest among the groups gnomAD compares: Admixed American, 0.005%; no homozygotes.

Submissions (2):

GeneDx
Classification: Uncertain significance. Last evaluated: 2024-11-22. Review status: criteria provided, single submitter. Criteria: GeneDx Variant Classification Process June 2021. Collection method: clinical testing. Allele origin: germline. Affected: yes.
Comment: Not observed at significant frequency in large population cohorts (gnomAD); In silico analysis indicates that this missense variant does not alter protein structure/function; Has not been previously published as pathogenic or benign to our knowledge

Labcorp Genetics (formerly Invitae), Labcorp
Classification: Uncertain significance. Last evaluated: 2022-03-27. Review status: criteria provided, single submitter. Criteria: Invitae Variant Classification Sherloc (09022015). Collection method: clinical testing. Allele origin: germline.
Comment: In summary, the available evidence is currently insufficient to determine the role of this variant in disease. Therefore, it has been classified as a Variant of Uncertain Significance. Algorithms developed to predict the effect of missense changes on protein structure and function are either unavailable or do not agree on the potential impact of this missense change (SIFT: "Deleterious"; PolyPhen-2: "Benign"; Align-GVGD: "Class C55"). This variant has not been reported in the literature in individuals affected with MYH3-related conditions. This variant is not present in population databases (gnomAD no frequency). This sequence change replaces serine, which is neutral and polar, with threonine, which is neutral and polar, at codon 283 of the MYH3 protein (p.Ser283Thr).